The following is an entry in ClinVar:

NM_001127511.3(APC):c.-74T>C

Gene: APC (APC regulator of Wnt signaling pathway; plus strand). Cytogenetic location: 5q22.2.
Variant type: single nucleotide variant.
Coding change: c.-74T>C on transcript NM_001127511.3; 74 bases upstream of the start codon, T replaced by C.
Molecular consequence: 5 prime UTR variant. On other transcripts: non-coding transcript variant (2).
Genome position (GRCh38, 1-based): chr5:112,707,644, T>C. VCF-style: chr5-112707644-T-C. GRCh37 (hg19) VCF-style: chr5-112043341-T-C.
Other names: c.-257T>C (NM_001407456.1, NM_001407460.1, NM_001407469.1 and 3 more transcripts); c.-24T>C (NM_001407457.1, NM_001407458.1, NM_001407448.1 and 1 more transcripts); c.-1292T>C (NM_001407470.1, NM_001407472.1); c.-74T>C (NM_001354897.2, NM_001354902.2, NM_001407446.1); c.-48T>C (NM_001407453.1).
Identifiers: ClinVar variation 469812 (VCV000469812.8), dbSNP rs1554060234, ClinGen allele CA658655899.

ClinVar aggregate classification (germline): Uncertain significance (1 of 4 stars; one submission).

Conditions:
Familial adenomatous polyposis 1 (FAP1). Also called: FAMILIAL ADENOMATOUS POLYPOSIS 1, ATTENUATED; POLYPOSIS, ADENOMATOUS INTESTINAL. Identifiers: MedGen C2713442, MONDO:0021056, OMIM 175100. Disease mechanism: loss of function.

Allele frequency attached by ClinVar (database versions not stated): TOPMed below 0.00001.

Submission:

Labcorp Genetics (formerly Invitae), Labcorp
Classification: Uncertain significance for Familial adenomatous polyposis 1. Last evaluated: 2025-06-18. Review status: criteria provided, single submitter. Criteria: Invitae Variant Classification Sherloc (09022015). Collection method: clinical testing. Allele origin: germline.
Comment: This variant occurs in a non-coding region of the APC gene. It does not change the encoded amino acid sequence of the APC protein. This variant is not present in population databases (gnomAD no frequency). This variant has not been reported in the literature in individuals affected with APC-related conditions. ClinVar contains an entry for this variant (Variation ID: 469812). Experimental studies and prediction algorithms are not available or were not evaluated, and the functional significance of this variant is currently unknown. In summary, the available evidence is currently insufficient to determine the role of this variant in disease. Therefore, it has been classified as a Variant of Uncertain Significance.